The following is an entry in ClinVar:

ClinVar aggregate classification (germline): Uncertain significance (1 of 4 stars; one submission).

Conditions:
Maple syrup urine disease (MSUD). Identifiers: Orphanet 511, MedGen C0024776, MeSH D008375, MONDO:0009563. Disease mechanism: loss of function.

gnomAD v4.1: 1 of 1,614,180 alleles (0.000062%); no homozygotes.

Submission:

Labcorp Genetics (formerly Invitae), Labcorp
Classification: Uncertain significance for Maple syrup urine disease. Last evaluated: 2022-06-04. Review status: criteria provided, single submitter. Criteria: Invitae Variant Classification Sherloc (09022015). Collection method: clinical testing. Allele origin: germline.
Comment: This variant is present in population databases (no rsID available, gnomAD no frequency). This sequence change replaces glycine, which is neutral and non-polar, with alanine, which is neutral and non-polar, at codon 190 of the BCKDHB protein (p.Gly190Ala). In summary, the available evidence is currently insufficient to determine the role of this variant in disease. Therefore, it has been classified as a Variant of Uncertain Significance. Algorithms developed to predict the effect of missense changes on protein structure and function (SIFT, PolyPhen-2, Align-GVGD) all suggest that this variant is likely to be disruptive. This variant has not been reported in the literature in individuals affected with BCKDHB-related conditions.

NM_183050.4(BCKDHB):c.569G>C (p.Gly190Ala)

Gene: BCKDHB (branched chain keto acid dehydrogenase E1 subunit beta; plus strand). Cytogenetic location: 6q14.1.
Variant type: single nucleotide variant.
Coding change: c.569G>C on transcript NM_183050.4 (MANE Select); coding-DNA position 569, G replaced by C.
Protein change: p.Gly190Ala; replaces glycine 190 with alanine.
Molecular consequence: missense variant. On other transcripts: non-coding transcript variant (1).
Genome position (GRCh38, 1-based): chr6:80,168,966, G>C. VCF-style: chr6-80168966-G-C. GRCh37 (hg19) VCF-style: chr6-80878683-G-C.
Other names: c.569G>C, p.Gly190Ala (NM_000056.5); c.359G>C, p.Gly120Ala (NM_001318975.1); short protein forms G120A, G190A.
Identifiers: ClinVar variation 2150258 (VCV002150258.4), dbSNP rs1330158702, ClinGen allele CA364657895.